The following is an entry in ClinVar:

ClinVar aggregate classification (germline): Uncertain significance (1 of 4 stars; one submission).

Conditions:
Hereditary breast ovarian cancer syndrome. Also called: Hereditary breast and ovarian cancer; Hereditary breast and/or ovarian cancer syndrome; Hereditary breast and ovarian cancer syndrome; Hereditary breast and ovarian cancer syndrome (HBOC); Breast and ovarian cancer; BRCA1- and BRCA2-Associated Hereditary Breast and Ovarian Cancer. Identifiers: Orphanet 145, MedGen C0677776, MeSH D061325, MONDO:0003582. Disease mechanism: loss of function.

Submission:

Labcorp Genetics (formerly Invitae), Labcorp
Classification: Uncertain significance for Hereditary breast ovarian cancer syndrome. Last evaluated: 2019-09-25. Review status: criteria provided, single submitter. Criteria: Invitae Variant Classification Sherloc (09022015). Collection method: clinical testing. Allele origin: germline.
Comment: This sequence change replaces proline with phenylalanine at codon 2639 of the BRCA2 protein (p.Pro2639Phe). The proline residue is highly conserved and there is a moderate physicochemical difference between proline and phenylalanine. In summary, the available evidence is currently insufficient to determine the role of this variant in disease. Therefore, it has been classified as a Variant of Uncertain Significance. Algorithms developed to predict the effect of missense changes on protein structure and function (SIFT, PolyPhen-2, Align-GVGD) all suggest that this variant is likely to be disruptive, but these predictions have not been confirmed by published functional studies and their clinical significance is uncertain. This variant has not been reported in the literature in individuals with BRCA2-related conditions. This variant is reported as two separate entries in the ExAC population database (c.7915C>T, absent and c.7916C>T, 0.003%).

NM_000059.4(BRCA2):c.7915_7916delinsTT (p.Pro2639Phe)

Gene: BRCA2 (BRCA2 DNA repair associated; plus strand). Cytogenetic location: 13q13.1.
Variant type: Indel.
Coding change: c.7915_7916delinsTT on transcript NM_000059.4 (MANE Select); coding-DNA positions 7915 to 7916, CC replaced by TT.
Protein change: p.Pro2639Phe; replaces proline 2639 with phenylalanine.
Molecular consequence: missense variant.
Genome position (GRCh38, 1-based): chr13:32,362,632-32,362,633, CC replaced by TT. VCF-style: chr13-32362632-CC-TT. GRCh37 (hg19) VCF-style: chr13-32936769-CC-TT.
Other names: short protein forms P2639F.
Identifiers: ClinVar variation 954638 (VCV000954638.8), dbSNP rs2072747524, ClinGen allele CA1139663133.